The following is an entry in ClinVar:

NM_000554.6(CRX):c.484A>C (p.Ile162Leu)

Gene: CRX (cone-rod homeobox; plus strand). Cytogenetic location: 19q13.33.
Variant type: single nucleotide variant.
Coding change: c.484A>C on transcript NM_000554.6 (MANE Select); coding-DNA position 484, A replaced by C.
Protein change: p.Ile162Leu; replaces isoleucine 162 with leucine.
Molecular consequence: missense variant.
Genome position (GRCh38, 1-based): chr19:47,839,551, A>C. VCF-style: chr19-47839551-A-C. GRCh37 (hg19) VCF-style: chr19-48342808-A-C.
Other names: c.484A>C (NM_000554.4); short protein forms I162L.
Identifiers: ClinVar variation 2151785 (VCV002151785.5), dbSNP rs1254761879, ClinGen allele CA406630798.
Genomic context (GRCh38, chr19:47,839,551, plus strand): 5'-TACAGTCCCCCTCTGCCCGGCCCCTCAGGCTCCCCAACCACGGCAGTGGCCACTGTGTCC[A>C]TCTGGAGCCCAGCCTCAGAGTCCCCTTTGCCTGAGGCGCAGCGGGCTGGGCTGGTGGCCT-3'
Protein context (NP_000545.1, residues 152-172): SPTTAVATVS[Ile162Leu]WSPASESPLP

ClinVar aggregate classification (germline): Uncertain significance. Review status: criteria provided, multiple submitters, no conflicts (2 of 4 stars). 2 submissions from 2 submitters: Uncertain significance (2). Last evaluated 2026-05-10.

Conditions:
Inborn genetic diseases. Identifiers: MedGen C0950123, MeSH D030342.
Cone-rod dystrophy 2 (CORD2). Also called: CONE-ROD RETINAL DYSTROPHY; Cone-rod retinal dystrophy 2. Identifiers: Orphanet 1872, MedGen C3489532, MONDO:0007362, OMIM 120970.
Leber congenital amaurosis 7 (LCA7). Identifiers: Orphanet 65, MedGen C3151192, MONDO:0013449, OMIM 613829.

Allele frequency attached by ClinVar (database versions not stated): gnomAD exomes below 0.00001.
gnomAD v4.1: 2 of 1,613,028 alleles (0.00012%); highest among the groups gnomAD compares: Admixed American, 0.0017%; no homozygotes.

Submissions (2):

Ambry Genetics
Classification: Uncertain significance for Inborn genetic diseases. Last evaluated: 2026-05-10. Review status: criteria provided, single submitter. Criteria: Ambry Variant Classification Scheme 2023. Collection method: clinical testing. Allele origin: germline.

Labcorp Genetics (formerly Invitae), Labcorp
Classification: Uncertain significance for Cone-rod dystrophy 2; Leber congenital amaurosis 7. Last evaluated: 2023-10-05. Review status: criteria provided, single submitter. Criteria: Invitae Variant Classification Sherloc (09022015). Collection method: clinical testing. Allele origin: germline.
Comment: This sequence change replaces isoleucine, which is neutral and non-polar, with leucine, which is neutral and non-polar, at codon 162 of the CRX protein (p.Ile162Leu). This variant is not present in population databases (gnomAD no frequency). This variant has not been reported in the literature in individuals affected with CRX-related conditions. ClinVar contains an entry for this variant (Variation ID: 2151785). Advanced modeling of protein sequence and biophysical properties (such as structural, functional, and spatial information, amino acid conservation, physicochemical variation, residue mobility, and thermodynamic stability) performed at Invitae indicates that this missense variant is not expected to disrupt CRX protein function. In summary, the available evidence is currently insufficient to determine the role of this variant in disease. Therefore, it has been classified as a Variant of Uncertain Significance.